The following is an entry in ClinVar:

ClinVar aggregate classification (germline): Uncertain significance (1 of 4 stars; one submission).

Allele frequency attached by ClinVar (database versions not stated): TOPMed below 0.00001.
gnomAD v4.1: 1 of 1,613,436 alleles (0.000062%); no homozygotes.

Submission:

GeneDx
Classification: Uncertain significance. Last evaluated: 2025-06-12. Review status: criteria provided, single submitter. Criteria: GeneDx Variant Classification Process June 2021. Collection method: clinical testing. Allele origin: germline. Affected: yes.
Comment: Not observed at significant frequency in large population cohorts (gnomAD); In silico analysis supports that this missense variant has a deleterious effect on protein structure/function; Has not been previously published as pathogenic or benign to our knowledge

NM_002576.5(PAK1):c.43C>T (p.Pro15Ser)

Gene: PAK1 (p21 (RAC1) activated kinase 1; minus strand). Cytogenetic location: 11q13.5.
Variant type: single nucleotide variant.
Coding change: c.43C>T on transcript NM_002576.5 (MANE Select); coding-DNA position 43, C replaced by T.
Protein change: p.Pro15Ser; replaces proline 15 with serine.
Molecular consequence: missense variant. On other transcripts: non-coding transcript variant (2), intron variant (3).
Genome position (GRCh38, 1-based): chr11:77,392,478, G>A on the plus strand (C>T on the coding strand, the complement: PAK1 is on the minus strand). VCF-style: chr11-77392478-G-A. GRCh37 (hg19) VCF-style: chr11-77103523-G-A.
Other names: c.43C>T, p.Pro15Ser (NM_001128620.2, NM_001376268.1, NM_001376269.1 and 28 more transcripts); c.-3-13090C>T (NM_001376304.1); c.-104-12484C>T (NM_001376305.1, NM_001376302.1); short protein forms P15S.
Identifiers: ClinVar variation 2575615 (VCV002575615.2), dbSNP rs1951258020, ClinGen allele CA382171733.